The following is an entry in ClinVar:

ClinVar aggregate classification (germline): Conflicting classifications of pathogenicity. Review status: criteria provided, conflicting classifications (1 of 4 stars). 3 submissions from 3 submitters: Uncertain significance (1); Likely benign (1). 1 of the submissions does not count toward it. Last evaluated 2026-02-02.

Conditions:
Desmoid disease, hereditary (DESMD). Also called: FIBROMATOSIS, FAMILIAL INFILTRATIVE. Identifiers: Orphanet 873, MedGen C1851124, OMIM 135290. Disease mechanism: loss of function.
Carcinoma of colon (CRC). Also called: Colonic carcinoma; Colon carcinoma. Identifiers: MedGen C0699790, MONDO:0002032.
Hepatocellular carcinoma (HCC). Also called: Primary carcinoma of liver; HEPATOMA; LIVER CELL CARCINOMA. Identifiers: Orphanet 88673, MedGen C2239176, MONDO:0007256, OMIM 114550, HP:0001402.
Familial adenomatous polyposis 1 (FAP1). Also called: FAMILIAL ADENOMATOUS POLYPOSIS 1, ATTENUATED; POLYPOSIS, ADENOMATOUS INTESTINAL. Identifiers: MedGen C2713442, MONDO:0021056, OMIM 175100. Disease mechanism: loss of function.
Neoplasm of stomach. Also called: Stomach Neoplasms; Neoplasm of the stomach; Gastric neoplasm. Identifiers: MedGen C0038356, MONDO:0021085, HP:0006753. Disease mechanism: gain of function. Inheritance: Somatic mutation.
APC-related disorder. Also called: APC-related condition.

Allele frequency attached by ClinVar (database versions not stated): 1000 Genomes Project 0.00020; TOPMed 0.00055; gnomAD exomes 0.00022; gnomAD 0.00073 and 0.00076; 1000 Genomes Project 30x 0.00016.
gnomAD v4.1: 172 of 461,702 alleles (0.037%); highest among the groups gnomAD compares: Admixed American, 0.54%; 2 homozygotes.

Submissions (3):

Labcorp Genetics (formerly Invitae), Labcorp
Classification: Likely benign for Familial adenomatous polyposis 1. Last evaluated: 2026-02-02. Review status: criteria provided, single submitter. Criteria: Invitae Variant Classification Sherloc (09022015). Collection method: clinical testing. Allele origin: germline.

Fulgent Genetics
Classification: Uncertain significance for Colorectal cancer; Hepatocellular carcinoma; Desmoid disease, hereditary; Familial adenomatous polyposis 1; Gastric cancer. Last evaluated: 2018-10-31. Review status: criteria provided, single submitter. Criteria: ACMG Guidelines, 2015. Collection method: clinical testing. Allele origin: unknown.

PreventionGenetics, part of Exact Sciences
Classification: Likely benign for APC-related condition. Last evaluated: 2019-03-19. Review status: no assertion criteria provided. Collection method: clinical testing. Allele origin: germline. Not counted in ClinVar's aggregate classification.
Comment: This variant is classified as likely benign based on ACMG/AMP sequence variant interpretation guidelines (Richards et al. 2015 PMID: 25741868, with internal and published modifications).

NM_001127511.3(APC):c.-204A>G

Genes: APC (APC regulator of Wnt signaling pathway; plus strand), LOC129994371 (ATAC-STARR-seq lymphoblastoid active region 22910; plus strand). Cytogenetic location: 5q22.2.
Variant type: single nucleotide variant.
Coding change: c.-204A>G on transcript NM_001127511.3; 204 bases upstream of the start codon, A replaced by G.
Molecular consequence: 5 prime UTR variant. On other transcripts: non-coding transcript variant (2).
Genome position (GRCh38, 1-based): chr5:112,707,514, A>G. VCF-style: chr5-112707514-A-G. GRCh37 (hg19) VCF-style: chr5-112043211-A-G.
Other names: c.-154A>G (NM_001407458.1, NM_001407448.1, NM_001407450.1 and 1 more transcripts); c.-387A>G (NM_001407460.1, NM_001407469.1, NM_001354895.2 and 3 more transcripts); c.-1422A>G (NM_001407470.1, NM_001407472.1); c.-204A>G (NM_001354897.2, NM_001354902.2, NM_001407446.1); c.-178A>G (NM_001407453.1).
Identifiers: ClinVar variation 469859 (VCV000469859.16), dbSNP rs554351451, ClinGen allele CA124924789.
Genomic context (GRCh38, chr5:112,707,514, plus strand): 5'-TAGTCTCCGGGCTGTGGGAAGCCAGCAACACCTCTCACGCATGCGCATTGTAGTCTTCCC[A>G]CCTCCCACAAGATGGCGGAGGGCAAGTAGCAAGGGGGCGGGGTGTGGCCGCCGGAAGCCT-3'